The following is an entry in ClinVar:

ClinVar aggregate classification (germline): Pathogenic. Review status: criteria provided, multiple submitters, no conflicts (2 of 4 stars). 6 submissions from 6 submitters: Pathogenic (5). 1 of the submissions does not count toward it. Last evaluated 2026-01-14.

Conditions:
Inborn genetic diseases. Identifiers: MedGen C0950123, MeSH D030342.
Desbuquois dysplasia 1 (DBQD1). Also called: DESBUQUOIS DYSPLASIA 1, KIM VARIANT; MICROMELIC DWARFISM WITH VERTEBRAL AND METAPHYSEAL ABNORMALITIES AND ADVANCED CARPOTARSAL OSSIFICATION. Identifiers: Orphanet 1425, MedGen C4012146, MONDO:0009629, OMIM 251450.

Allele frequency attached by ClinVar (database versions not stated): gnomAD exomes 0.00002 and 0.00006; gnomAD 0.00007 and 0.00006; ESP Exome Variant Server 0.00008; TOPMed 0.00008; ExAC 0.00007.

Submissions (6):

Labcorp Genetics (formerly Invitae), Labcorp
Classification: Pathogenic. Last evaluated: 2026-01-14. Review status: criteria provided, single submitter. Criteria: Invitae Variant Classification Sherloc (09022015). Collection method: clinical testing. Allele origin: germline.
Comment: This sequence change creates a premature translational stop signal (p.Leu93Valfs*89) in the CANT1 gene. It is expected to result in an absent or disrupted protein product. Loss-of-function variants in CANT1 are known to be pathogenic (PMID: 19853239, 21037275, 22539336). This variant is present in population databases (rs587776897, gnomAD 0.03%). This premature translational stop signal has been observed in individual(s) with Desbuquois dysplasia (PMID: 21654728). ClinVar contains an entry for this variant (Variation ID: 31015). For these reasons, this variant has been classified as Pathogenic.

GeneDx
Classification: Pathogenic. Last evaluated: 2023-12-24. Review status: criteria provided, single submitter. Criteria: GeneDx Variant Classification Process June 2021. Collection method: clinical testing. Allele origin: germline. Affected: yes.
Comment: Frameshift variant predicted to result in protein truncation or nonsense mediated decay in a gene for which loss of function is a known mechanism of disease; This variant is associated with the following publications: (PMID: 21654728, 31510824, 37107695, 34602954)

Ambry Genetics
Classification: Pathogenic for Inborn genetic diseases. Last evaluated: 2017-07-14. Review status: criteria provided, single submitter. Criteria: Ambry exome assertion method (8-5-2015). Collection method: clinical testing. Allele origin: germline. Affected: yes. Observed: 1 variant allele.

Eurofins Ntd Llc (ga)
Classification: Pathogenic. Last evaluated: 2015-03-17. Review status: criteria provided, single submitter. Criteria: EGL Classification Definitions 2015. Collection method: clinical testing. Allele origin: germline. Observed: 1 variant allele, 1 heterozygote.

Kariminejad - Najmabadi Pathology & Genetics Center
Classification: Pathogenic for Desbuquois dysplasia 1. Review status: criteria provided, single submitter. Criteria: ACMG Guidelines, 2015. Collection method: clinical testing. Allele origin: germline. Affected: no.

OMIM
Classification: Pathogenic for DESBUQUOIS DYSPLASIA 1. Last evaluated: 2011-11-01. Review status: no assertion criteria provided. Collection method: literature only. Allele origin: germline. Not counted in ClinVar's aggregate classification.

Literature cited by the submitters: PubMed 19853239 (cited by Labcorp Genetics (formerly Invitae), Labcorp); PubMed 21037275 (cited by Labcorp Genetics (formerly Invitae), Labcorp); PubMed 22539336 (cited by Labcorp Genetics (formerly Invitae), Labcorp); PubMed 21654728 (cited by 3 submitters).

NM_001159773.2(CANT1):c.277_278del (p.Leu93fs)

Gene: CANT1 (calcium activated nucleotidase 1; minus strand). Cytogenetic location: 17q25.3.
Variant type: Deletion.
Coding change: c.277_278del on transcript NM_001159773.2 (MANE Select); coding-DNA positions 277 to 278, 2 bases deleted (CT; older notation c.277_278delCT).
Protein change: p.Leu93fs; shifts the reading frame from leucine 93.
Molecular consequence: frameshift variant.
Genome position (GRCh38, 1-based): chr17:78,997,345-78,997,346, AG deleted on the plus strand (CT on the coding strand, the reverse complement: CANT1 is on the minus strand). VCF-style (leftmost placement, unchanged base first): chr17-78997344-CAG-C. GRCh37 (hg19) VCF-style: chr17-76993426-CAG-C.
Other names: c.277_278del, p.Leu93fs (NM_001159772.2, NM_138793.4); c.277_278delCT (NM_138793.4, NM_138793.3); short protein forms L93fs.
Identifiers: ClinVar variation 31015 (VCV000031015.13), dbSNP rs587776897, ClinGen allele CA129621.